The following is an entry in ClinVar:

NM_001378778.1(MPDZ):c.1968+2T>G

Gene: MPDZ (multiple PDZ domain crumbs cell polarity complex component; minus strand). Cytogenetic location: 9p23.
Variant type: single nucleotide variant.
Coding change: c.1968+2T>G on transcript NM_001378778.1 (MANE Select); the canonical splice donor site of the intron after coding-DNA position 1968, T replaced by G.
Molecular consequence: splice donor variant.
Genome position (GRCh38, 1-based): chr9:13,192,129, A>C on the plus strand (T>G on the coding strand, the complement: MPDZ is on the minus strand). VCF-style: chr9-13192129-A-C. GRCh37 (hg19) VCF-style: chr9-13192128-A-C.
Other names: c.1968+2T>G (NM_001375413.1, NM_001375422.1, NM_001375421.1 and 14 more transcripts).
Identifiers: ClinVar variation 5007409 (VCV005007409.2).

ClinVar aggregate classification (germline): Uncertain significance (1 of 4 stars; one submission).

Conditions:
Hydrocephalus, nonsyndromic, autosomal recessive 2. Also called: Hydrocephalus, congenital, 2, with or without brain or eye anomalies. Identifiers: Orphanet 2185, MedGen C3554691, MONDO:0014085, OMIM 615219.

gnomAD v4.1: 3 of 1,589,096 alleles (0.00019%); highest among the groups gnomAD compares: East Asian, 0.0023%; no homozygotes.

Submission:

Juno Genomics, Hangzhou Juno Genomics, Inc
Classification: Uncertain significance for Hydrocephalus, nonsyndromic, autosomal recessive 2. Review status: criteria provided, single submitter. Criteria: ACMG Guidelines, 2015. Collection method: clinical testing. Allele origin: germline.
Comment: Null variant in a gene where loss of function (LOF) is a known mechanism of disease.;Absent from controls (or at extremely low frequency if recessive) in Genome Aggregation Database.